The following is an entry in ClinVar:

ClinVar aggregate classification (germline): Likely benign (1 of 4 stars; one submission).

Allele frequency attached by ClinVar (database versions not stated): TOPMed below 0.00001; gnomAD 0.00001 and 0.00002; gnomAD exomes 0.00002 and 0.00005; ExAC 0.00006; 1000 Genomes Project 30x 0.00031; 1000 Genomes Project 0.00040.
gnomAD v4.1: 28 of 1,610,464 alleles (0.0017%); highest among the groups gnomAD compares: South Asian, 0.023%; no homozygotes.

Submission:

GeneDx
Classification: Likely benign. Last evaluated: 2017-12-26. Review status: criteria provided, single submitter. Criteria: GeneDx Variant Classification (06012015). Collection method: clinical testing. Allele origin: germline. Affected: yes.
Comment: This variant is considered likely benign or benign based on one or more of the following criteria: it is a conservative change, it occurs at a poorly conserved position in the protein, it is predicted to be benign by multiple in silico algorithms, and/or has population frequency not consistent with disease.

NM_133261.3(GIPC3):c.592+7C>T

Gene: GIPC3 (GIPC PDZ domain containing family member 3; plus strand). Cytogenetic location: 19p13.3.
Variant type: single nucleotide variant.
Coding change: c.592+7C>T on transcript NM_133261.3 (MANE Select); 7 bases into the intron after coding-DNA position 592, C replaced by T.
Molecular consequence: intron variant.
Genome position (GRCh38, 1-based): chr19:3,587,001, C>T. VCF-style: chr19-3587001-C-T. GRCh37 (hg19) VCF-style: chr19-3586999-C-T.
Identifiers: ClinVar variation 513838 (VCV000513838.1), dbSNP rs537708164, ClinGen allele CA9080443.
Genomic context (GRCh38, chr19:3,587,001, plus strand): 5'-TGCCCAAGTCCCAGCCCTTCACCCTGCGCCTGGTGCAGCCCAAGAGGGCCTTCGGTGAGG[C>T]GGGTGGGCTGGCGGGAGCTCTTCCCGAAGTGCGTTCTACGGATGCCTGGGGTGGAGGAGG-3'